The following is an entry in ClinVar:

ClinVar aggregate classification (germline): Pathogenic. Review status: criteria provided, multiple submitters, no conflicts (2 of 4 stars). 2 submissions from 2 submitters: Pathogenic (2). Last evaluated 2024-06-28.

Conditions:
KMT2D-related disorder. Also called: KMT2D-Related Disorders.
Kabuki syndrome 1 (KABUK1). Also called: KMT2D-Related Kabuki Syndrome. Identifiers: Orphanet 2322, MedGen CN030661, MONDO:0007843, OMIM 147920.

Submissions (2):

Division of Genetic & Genomic Pathology, Hong Kong Children's Hospital
Classification: Pathogenic for Kabuki syndrome 1. Last evaluated: 2024-06-28. Review status: criteria provided, single submitter. Criteria: ACMG Guidelines, 2015. Collection method: clinical testing. Allele origin: germline. Affected: yes.
Comment: The KMT2D c.12760C>T p.(Gln4254Ter) nonsense variant is located in exon 40 out of 55 exons. It is predicted to cause loss of normal protein function by nonsense-mediated mRNA decay, and loss of function is a known mechanism of disease. The variant is absent in the control population databases (gnomAD v.2.1.1 and v4.1.0). It has been reported to be pathogenic in ClinVar (VCV002634024.1), and it has been reported in multiple patients with Kabuki Syndrome (PMID: 27302555, 30107592). Numerous downstream truncating variants have been reported to be pathogenic for Kabuki syndrome. For these reasons, this variant is classified as pathogenic.

PreventionGenetics, part of Exact Sciences
Classification: Pathogenic for KMT2D-related condition. Last evaluated: 2023-10-11. Review status: criteria provided, single submitter. Criteria: ACMG Guidelines, 2015. Collection method: clinical testing. Allele origin: germline.
Comment: The KMT2D c.12760C>T variant is predicted to result in premature protein termination (p.Gln4254*). This variant has been reported in individuals with Kabuki syndrome (Table 1, Bögershausen et al. 2016. PubMed ID: 27302555; Table 1, Cocciadiferro et al. 2018. PubMed ID: 30107592). This variant has not been reported in a large population database, indicating this variant is rare. Nonsense variants in KMT2D are expected to be pathogenic. This variant is interpreted as pathogenic.

Literature cited by the submitters: PubMed 27302555 (cited by Division of Genetic & Genomic Pathology, Hong Kong Children's Hospital); PubMed 30107592 (cited by Division of Genetic & Genomic Pathology, Hong Kong Children's Hospital).

NM_003482.4(KMT2D):c.12760C>T (p.Gln4254Ter)

Gene: KMT2D (lysine methyltransferase 2D; minus strand). Cytogenetic location: 12q13.12.
Variant type: single nucleotide variant.
Coding change: c.12760C>T on transcript NM_003482.4 (MANE Select); coding-DNA position 12760, C replaced by T.
Protein change: p.Gln4254Ter; replaces glutamine 4254 with a stop codon.
Molecular consequence: nonsense.
Genome position (GRCh38, 1-based): chr12:49,031,945, G>A on the plus strand (C>T on the coding strand, the complement: KMT2D is on the minus strand). VCF-style: chr12-49031945-G-A. GRCh37 (hg19) VCF-style: chr12-49425728-G-A.
Other names: short protein forms Q4254*.
Identifiers: ClinVar variation 2634024 (VCV002634024.2), dbSNP rs2498354547, ClinGen allele CA384709421.